The following is an entry in ClinVar:

ClinVar aggregate classification (germline): Likely pathogenic (1 of 4 stars; one submission).

Conditions:
Neurodevelopmental disorder with intracranial hemorrhage, seizures, and spasticity (NEDIHSS). Identifiers: MedGen C5830509, MONDO:0957267, OMIM 620371.

Submission:

3billion
Classification: Likely pathogenic for Neurodevelopmental disorder with intracranial hemorrhage, seizures, and spasticity. Last evaluated: 2026-01-18. Review status: criteria provided, single submitter. Criteria: ACMG Guidelines, 2015. Collection method: clinical testing. Allele origin: germline. Affected: yes.
Comment: The variant is observed at an extremely low frequency in the gnomAD v4.1.0 dataset (total allele frequency: <0.001%). Predicted Consequence/Location: Stop-gained (nonsense): predicted to result in a loss or disruption of normal protein function through nonsense-mediated decay (NMD) or protein truncation. Multiple pathogenic variants are reported downstream of the variant. Therefore, this variant is classified as Likely pathogenic according to the recommendation of ACMG/AMP guideline.

NM_138961.3(ESAM):c.474C>A (p.Cys158Ter)

Gene: ESAM (endothelial cell adhesion molecule; minus strand). Cytogenetic location: 11q24.2.
Variant type: single nucleotide variant.
Coding change: c.474C>A on transcript NM_138961.3 (MANE Select); coding-DNA position 474, C replaced by A.
Protein change: p.Cys158Ter; replaces cysteine 158 with a stop codon.
Molecular consequence: nonsense.
Genome position (GRCh38, 1-based): chr11:124,756,340, G>T on the plus strand (C>A on the coding strand, the complement: ESAM is on the minus strand). VCF-style: chr11-124756340-G-T. GRCh37 (hg19) VCF-style: chr11-124626236-G-T.
Other names: short protein forms C158*.
Identifiers: ClinVar variation 4854072 (VCV004854072.1).